The following is an entry in ClinVar:

NM_139057.4(ADAMTS17):c.1888+1G>A

Gene: ADAMTS17 (ADAM metallopeptidase with thrombospondin type 1 motif 17; minus strand). Cytogenetic location: 15q26.3.
Variant type: single nucleotide variant.
Coding change: c.1888+1G>A on transcript NM_139057.4 (MANE Select); the canonical splice donor site of the intron after coding-DNA position 1888, G replaced by A.
Molecular consequence: splice donor variant.
Genome position (GRCh38, 1-based): chr15:100,116,846, C>T on the plus strand (G>A on the coding strand, the complement: ADAMTS17 is on the minus strand). VCF-style: chr15-100116846-C-T. GRCh37 (hg19) VCF-style: chr15-100657051-C-T.
Identifiers: ClinVar variation 4725262 (VCV004725262.1).

ClinVar aggregate classification (germline): Likely pathogenic (1 of 4 stars; one submission).

Submission:

Labcorp Genetics (formerly Invitae), Labcorp
Classification: Likely pathogenic. Last evaluated: 2025-08-18. Review status: criteria provided, single submitter. Criteria: Invitae Variant Classification Sherloc (09022015). Collection method: clinical testing. Allele origin: germline.
Comment: This sequence change affects a donor splice site in intron 13 of the ADAMTS17 gene. It is expected to disrupt RNA splicing. Variants that disrupt the donor or acceptor splice site typically lead to a loss of protein function (PMID: 16199547), and loss-of-function variants in ADAMTS17 are known to be pathogenic (PMID: 19836009, 24940034). This variant is not present in population databases (gnomAD no frequency). This variant has not been reported in the literature in individuals affected with ADAMTS17-related conditions. Algorithms developed to predict the effect of sequence changes on RNA splicing suggest that this variant may disrupt the consensus splice site. In summary, the currently available evidence indicates that the variant is pathogenic, but additional data are needed to prove that conclusively. Therefore, this variant has been classified as Likely Pathogenic.

Literature cited by the submitters: PubMed 16199547; PubMed 19836009; PubMed 24940034.